The following is an entry in ClinVar:

NC_000003.12:g.169764665G>A

Gene: TERC (telomerase RNA component; minus strand). Cytogenetic location: 3q26.2.
Variant type: single nucleotide variant.
Genome position: GRCh38 VCF-style: chr3-169764665-G-A. GRCh37 (hg19) VCF-style: chr3-169482453-G-A.
Identifiers: ClinVar variation 849306 (VCV000849306.9), dbSNP rs1483089001, ClinGen allele CA436714843.

ClinVar aggregate classification (germline): Uncertain significance (1 of 4 stars; one submission).

Conditions:
Dyskeratosis congenita, autosomal dominant 1 (DKCA1). Also called: Dyskeratosis congenita Scoggins type. Identifiers: Orphanet 1775, MedGen C4551974, MONDO:0007485, OMIM 127550. Inheritance: Variable.

Allele frequency attached by ClinVar (database versions not stated): gnomAD exomes below 0.00001.
gnomAD v4.1: 1 of 751,956 alleles (0.00013%); no homozygotes.

Submission:

Labcorp Genetics (formerly Invitae), Labcorp
Classification: Uncertain significance for Dyskeratosis congenita, autosomal dominant 1. Last evaluated: 2022-03-05. Review status: criteria provided, single submitter. Criteria: Invitae Variant Classification Sherloc (09022015). Collection method: clinical testing. Allele origin: germline.
Comment: This variant occurs in the TERC gene, which encodes an RNA molecule that does not result in a protein product. This variant is not present in population databases (gnomAD no frequency). This variant has not been reported in the literature in individuals affected with TERC-related conditions. ClinVar contains an entry for this variant (Variation ID: 849306). This variant is located within the BoxH/ACA scaRNA domain of the TERC RNA component, which is required for telomerase activity (PMID: 21844345). In summary, the available evidence is currently insufficient to determine the role of this variant in disease. Therefore, it has been classified as a Variant of Uncertain Significance.

Literature cited by the submitters: PubMed 21844345.